The following is an entry in ClinVar:

NM_016122.3(CEP83):c.511C>T (p.Arg171Cys)

Gene: CEP83 (centrosomal protein 83; minus strand). Cytogenetic location: 12q22.
Variant type: single nucleotide variant.
Coding change: c.511C>T on transcript NM_016122.3 (MANE Select); coding-DNA position 511, C replaced by T.
Protein change: p.Arg171Cys; replaces arginine 171 with cysteine.
Molecular consequence: missense variant. On other transcripts: non-coding transcript variant (3), intron variant (2).
Genome position (GRCh38, 1-based): chr12:94,400,888, G>A on the plus strand (C>T on the coding strand, the complement: CEP83 is on the minus strand). VCF-style: chr12-94400888-G-A. GRCh37 (hg19) VCF-style: chr12-94794664-G-A.
Other names: c.511C>T, p.Arg171Cys (NM_001042399.2, NM_001346457.2, NM_001346460.2 and 3 more transcripts); c.199C>T, p.Arg67Cys (NM_001346458.2, NM_001346459.2, NM_001346462.2 and 2 more transcripts); c.324+10809C>T (NM_001368041.1); c.12+10809C>T (NM_001368042.1); short protein forms R67C, R171C.
Identifiers: ClinVar variation 955789 (VCV000955789.5), dbSNP rs372235599, ClinGen allele CA6721924.

ClinVar aggregate classification (germline): Uncertain significance. Review status: criteria provided, multiple submitters, no conflicts (2 of 4 stars). 2 submissions from 2 submitters: Uncertain significance (2). Last evaluated 2023-03-15.

Conditions:
Nephronophthisis 18 (NPHP18). Identifiers: Orphanet 655, MedGen C3890591, MONDO:0014374, OMIM 615862.

Allele frequency attached by ClinVar (database versions not stated): gnomAD 0.00001 and 0.00002; gnomAD exomes 0.00002 and 0.00005; TOPMed 0.00004; ExAC 0.00008; ESP Exome Variant Server 0.00009; 1000 Genomes Project 30x 0.00031; 1000 Genomes Project 0.00040.
gnomAD v4.1: 25 of 1,497,990 alleles (0.0017%); highest among the groups gnomAD compares: African/African-American, 0.0057%; no homozygotes.

Submissions (2):

Baylor Genetics
Classification: Uncertain significance for Nephronophthisis 18. Last evaluated: 2023-03-15. Review status: criteria provided, single submitter. Criteria: ACMG Guidelines, 2015. Collection method: clinical testing. Allele origin: unknown.

Labcorp Genetics (formerly Invitae), Labcorp
Classification: Uncertain significance for Nephronophthisis 18. Last evaluated: 2022-09-27. Review status: criteria provided, single submitter. Criteria: Invitae Variant Classification Sherloc (09022015). Collection method: clinical testing. Allele origin: germline.
Comment: This sequence change replaces arginine, which is basic and polar, with cysteine, which is neutral and slightly polar, at codon 171 of the CEP83 protein (p.Arg171Cys). This variant is present in population databases (rs372235599, gnomAD 0.02%). This variant has not been reported in the literature in individuals affected with CEP83-related conditions. ClinVar contains an entry for this variant (Variation ID: 955789). Advanced modeling of protein sequence and biophysical properties (such as structural, functional, and spatial information, amino acid conservation, physicochemical variation, residue mobility, and thermodynamic stability) has been performed at Invitae for this missense variant, however the output from this modeling did not meet the statistical confidence thresholds required to predict the impact of this variant on CEP83 protein function. In summary, the available evidence is currently insufficient to determine the role of this variant in disease. Therefore, it has been classified as a Variant of Uncertain Significance.